The following is an entry in ClinVar:

ClinVar aggregate classification (germline): Uncertain significance (1 of 4 stars; one submission).

Conditions:
Ehlers-Danlos syndrome, classic type, 1 (EDSCL1). Also called: EDS I; EHLERS-DANLOS SYNDROME, GRAVIS TYPE; EHLERS-DANLOS SYNDROME, SEVERE CLASSIC TYPE; Ehlers-Danlos Syndrome, Classic Type, COL5A1-Related; Ehlers-Danlos syndrome, type 1. Identifiers: MedGen C0268335, MONDO:0019567, OMIM 130000.

Submission:

Labcorp Genetics (formerly Invitae), Labcorp
Classification: Uncertain significance for Ehlers-Danlos syndrome, classic type, 1. Last evaluated: 2018-08-20. Review status: criteria provided, single submitter. Criteria: Invitae Variant Classification Sherloc (09022015). Collection method: clinical testing. Allele origin: germline.
Comment: In summary, the available evidence is currently insufficient to determine the role of this variant in disease. Therefore, it has been classified as a Variant of Uncertain Significance. Algorithms developed to predict the effect of missense changes on protein structure and function (SIFT, PolyPhen-2, Align-GVGD) all suggest that this variant is likely to be disruptive, but these predictions have not been confirmed by published functional studies and their clinical significance is uncertain. This sequence change replaces proline with arginine at codon 538 of the COL5A2 protein (p.Pro538Arg). The proline residue is highly conserved and there is a moderate physicochemical difference between proline and arginine. This variant is not present in population databases (ExAC no frequency). This variant has not been reported in the literature in individuals with COL5A2-related disease.

NM_000393.5(COL5A2):c.1613C>G (p.Pro538Arg)

Gene: COL5A2 (collagen type V alpha 2 chain; minus strand). Cytogenetic location: 2q32.2.
Variant type: single nucleotide variant.
Coding change: c.1613C>G on transcript NM_000393.5 (MANE Select); coding-DNA position 1613, C replaced by G.
Protein change: p.Pro538Arg; replaces proline 538 with arginine.
Molecular consequence: missense variant.
Genome position (GRCh38, 1-based): chr2:189,065,008, G>C on the plus strand (C>G on the coding strand, the complement: COL5A2 is on the minus strand). VCF-style: chr2-189065008-G-C. GRCh37 (hg19) VCF-style: chr2-189929734-G-C.
Other names: short protein forms P538R.
Identifiers: ClinVar variation 640824 (VCV000640824.10), dbSNP rs1576503605, ClinGen allele CA349850815.